The following is an entry in ClinVar:

NM_005086.5(SSPN):c.63C>G (p.Ala21=)

Gene: SSPN (sarcospan; plus strand). Cytogenetic location: 12p12.1.
Variant type: single nucleotide variant.
Coding change: c.63C>G on transcript NM_005086.5 (MANE Select); coding-DNA position 63, C replaced by G.
Protein change: p.Ala21=; no amino-acid change (alanine 21 retained).
Molecular consequence: synonymous variant. On other transcripts: intron variant (1).
Genome position (GRCh38, 1-based): chr12:26,195,735, C>G. VCF-style: chr12-26195735-C-G. GRCh37 (hg19) VCF-style: chr12-26348668-C-G.
Other names: c.-31+204C>G (NM_001135823.1).
Identifiers: ClinVar variation 2642802 (VCV002642802.24), dbSNP rs200655450, ClinGen allele CA6487851.
Genomic context (GRCh38, chr12:26,195,735, plus strand): 5'-GGGCAAGAACAAGCAGCCACGCGGCCAGCAGAGGCAGGGGGGCCCGCCGGCCGCGGACGC[C>G]GCTGGGCCCGACGACATGGAGCCGAAGAAGGGCACGGGGGCCCCCAAGGAGTGCGGGGAG-3'
Protein context (NP_005077.2, residues 11-31): QRQGGPPAAD[Ala21=]AGPDDMEPKK

ClinVar aggregate classification (germline): Likely benign (1 of 4 stars; one submission).

Allele frequency attached by ClinVar (database versions not stated): 1000 Genomes Project 30x 0.00156; 1000 Genomes Project 0.00220; ExAC 0.00675.
gnomAD v4.1: 11,046 of 1,473,114 alleles (0.75%); highest among the groups gnomAD compares: Non-Finnish European, 0.86%; 54 homozygotes.

Submission:

CeGaT Center for Human Genetics Tuebingen
Classification: Likely benign. Last evaluated: 2023-02-01. Review status: criteria provided, single submitter. Criteria: CeGaT Center For Human Genetics Tuebingen Variant Classification Criteria Version 2. Collection method: clinical testing. Allele origin: germline. Affected: yes. Observed: 1 variant allele.
Comment: SSPN: BP4, BP7, BS2